The following is an entry in ClinVar:

ClinVar aggregate classification (germline): Uncertain significance (1 of 4 stars; one submission).

Conditions:
Anauxetic dysplasia. Identifiers: Orphanet 93347, MedGen C1846796, MONDO:0011773.

Allele frequency attached by ClinVar (database versions not stated): gnomAD exomes 0.00003; TOPMed 0.00019; gnomAD 0.00021; 1000 Genomes Project 30x 0.00047.

Submission:

Labcorp Genetics (formerly Invitae), Labcorp
Classification: Uncertain significance for Anauxetic dysplasia. Last evaluated: 2024-10-23. Review status: criteria provided, single submitter. Criteria: Invitae Variant Classification Sherloc (09022015). Collection method: clinical testing. Allele origin: germline.
Comment: This variant occurs in the RMRP gene, which encodes an RNA molecule that does not result in a protein product. This variant is present in population databases (no rsID available, gnomAD 0.06%). This variant has not been reported in the literature in individuals affected with RMRP-related conditions. Experimental studies and prediction algorithms are not available or were not evaluated, and the functional significance of this variant is currently unknown. In summary, the available evidence is currently insufficient to determine the role of this variant in disease. Therefore, it has been classified as a Variant of Uncertain Significance.

NC_000009.12:g.35657748_35657749insG

Gene: RMRP (RNA component of mitochondrial RNA processing endoribonuclease; minus strand). Cytogenetic location: 9p13.3.
Variant type: Insertion.
Genome position: GRCh38 VCF-style: chr9-35657748-A-AG. GRCh37 (hg19) VCF-style: chr9-35657745-A-AG.
Identifiers: ClinVar variation 2201959 (VCV002201959.2), dbSNP rs1223012271, ClinGen allele CA587570151.